The following is an entry in ClinVar:

NM_153700.2(STRC):c.4749G>T (p.Val1583=)

Gene: STRC (stereocilin; minus strand). Cytogenetic location: 15q15.3.
Variant type: single nucleotide variant.
Coding change: c.4749G>T on transcript NM_153700.2 (MANE Select); coding-DNA position 4749, G replaced by T.
Protein change: p.Val1583=; no amino-acid change (valine 1583 retained).
Molecular consequence: synonymous variant.
Genome position (GRCh38, 1-based): chr15:43,600,967, C>A on the plus strand (G>T on the coding strand, the complement: STRC is on the minus strand). VCF-style: chr15-43600967-C-A. GRCh37 (hg19) VCF-style: chr15-43893165-C-A.
Identifiers: ClinVar variation 505179 (VCV000505179.5), dbSNP rs770417511, ClinGen allele CA7527906.
Genomic context (GRCh38, chr15:43,600,967, plus strand): 5'-TGGCCGCAGTCCACAGAGAGTATAACCCAGCGCTGTCAGATGAACGAAGTCCAGGTGGCT[C>A]ACATGCCGACCACTCTGCCGTAGGAAACTGGAGACCACAATGCGGAGCTGGGGTGGGGGG-3'
Protein context (NP_714544.1, residues 1573-1593): SSFLRQSGRH[Val1583=]SHLDFVHLTA

ClinVar aggregate classification (germline): Likely benign (1 of 4 stars; one submission).

Allele frequency attached by ClinVar (database versions not stated): TOPMed 0.00002; gnomAD exomes 0.00013 and 0.00028; ExAC 0.00020; gnomAD 0.00021 and 0.00024.
gnomAD v4.1: 215 of 1,603,274 alleles (0.013%); highest among the groups gnomAD compares: Non-Finnish European, 0.0033%; 1 homozygote.

Submission:

Laboratory for Molecular Medicine, Mass General Brigham Personalized Medicine
Classification: Likely benign. Last evaluated: 2016-06-21. Review status: criteria provided, single submitter. Criteria: LMM Criteria. Collection method: clinical testing. Allele origin: germline. Observed: 1 variant allele.
Comment: p.Val1583Val in exon 25 of STRC: This variant is not expected to have clinical s ignificance because it does not alter an amino acid residue and is not located w ithin the splice consensus sequence. It has been identified in 0.3% (19/6604) of Finnish chromosomes by the Exome Aggregation Consortium (ExAC; dbSNP rs770417511).